The following continues an entry in ClinVar:

NM_000543.5(SMPD1):c.1826GCC[1] (p.Arg610del)

ClinVar aggregate classification (germline): Pathogenic. Pathogenic (15).

Submissions 11 to 18 of 18:

Fulgent Genetics
Classification: Pathogenic for Niemann-Pick disease, type A; Niemann-Pick disease, type B. Last evaluated: 2024-06-20. Review status: criteria provided, single submitter. Criteria: ACMG Guidelines, 2015. Collection method: clinical testing. Allele origin: germline.

Baylor Genetics
Classification: Pathogenic for Niemann-Pick disease, type A. Last evaluated: 2024-03-26. Review status: criteria provided, single submitter. Criteria: ACMG Guidelines, 2015. Collection method: clinical testing. Allele origin: unknown.

Myriad Genetics, Inc.
Classification: Pathogenic for Niemann-Pick disease, type A. Last evaluated: 2019-12-26. Review status: criteria provided, single submitter. Criteria: Myriad Women's Health Autosomal Recessive and X-Linked Classification Criteria (2019). Collection method: clinical testing. Allele origin: unknown.
Comment: NM_000543.4(SMPD1):c.1829_1831delGCC(R610del, aka deltaR608) is classified as pathogenic in the context of SMPD1-related Niemann-Pick disease. Sources cited for classification include the following: PMID 21502868, 19405096 and 8225311. Classification of NM_000543.4(SMPD1):c.1829_1831delGCC(R610del, aka deltaR608) is based on the following criteria: This is a well-established pathogenic variant in the literature that has been observed more frequently in patients with clinical diagnoses than in healthy populations. Please note: this variant was assessed in the context of healthy population screening.

Women's Health and Genetics/Laboratory Corporation of America, LabCorp
Classification: Pathogenic. Last evaluated: 2019-03-04. Review status: criteria provided, single submitter. Criteria: LabCorp Variant Classification Summary - May 2015. Collection method: clinical testing. Allele origin: germline.
Comment: Variant summary: SMPD1 c.1829_1831delGCC (p.Arg610del) results in an in-frame deletion that is predicted to remove one amino acid from the encoded protein. The variant allele was found at a frequency of 0.00021 in 242558 control chromosomes (gnomAD). This frequency is not higher than expected for a pathogenic variant in SMPD1 causing Niemann-Pick disease type B (0.00021 vs 0.0022). c.1829_1831delGCC has been reported in the literature as a common disease variant in several homozygous and compound heterozygous individuals affected with Niemann-Pick disease type B (e.g. Vanier 1993, Simonaro 2002, Rodriguez-Pascau 2009, Zampieri 2015). Publications also reported experimental evidence evaluating an impact on protein function, and demonstrated reduced enzyme activity (Vanier 1993, Rodriguez-Pascau 2009). Four clinical diagnostic laboratories have submitted clinical-significance assessments for this variant to ClinVar after 2014 without evidence for independent evaluation. All laboratories classified the variant as pathogenic. Based on the evidence outlined above, the variant was classified as pathogenic.

Eurofins Ntd Llc (ga)
Classification: Pathogenic. Last evaluated: 2014-06-18. Review status: criteria provided, single submitter. Criteria: EGL Classification Definitions 2015. Collection method: clinical testing. Allele origin: germline. Observed: 15 variant alleles, 15 heterozygotes.

Counsyl
Classification: Pathogenic for Niemann-Pick disease, type B. Last evaluated: 2015-04-22. Review status: no assertion criteria provided. Collection method: clinical testing. Allele origin: unknown. Not counted in ClinVar's aggregate classification.

OMIM
Classification: Pathogenic for NIEMANN-PICK DISEASE, TYPE B. Last evaluated: 2009-07-01. Review status: no assertion criteria provided. Collection method: literature only. Allele origin: germline. Not counted in ClinVar's aggregate classification.

GeneReviews
No classification provided. Condition: Sphingomyelin/cholesterol lipidosis. Review status: no classification provided. Collection method: literature only. Allele origin: germline. Not counted in ClinVar's aggregate classification.
Comment: Homozygotes have milder clinical course. One of the most common pathogenic variants in persons with Niemann-Pick disease type-B. In persons with Niemann-Pick disease type-B originating from Maghreb region of North Africa (i.e., Tunisia, Algeria, Morocco), accounts for almost 90% of mutated alleles. On Gran Canaria Island, accounts for 100% of pathogenic alleles. Accounts for approximately 20%-30% of pathogenic variants in those with Niemann-Pick disease type-B in the US.

Literature cited by the submitters: PubMed 1885770 (cited by 4 submitters); PubMed 8225311 (cited by 7 submitters); PubMed 12694237 (cited by 4 submitters); PubMed 19405096 (cited by 9 submitters); PubMed 23252888 (cited by Labcorp Genetics (formerly Invitae), Labcorp); PubMed 24643943 (cited by Labcorp Genetics (formerly Invitae), Labcorp); PubMed 18815062 (cited by Labcorp Genetics (formerly Invitae), Labcorp and Variantyx, Inc.); PubMed 12607113 (cited by Natera, Inc.); PubMed 12369017 (cited by 3 submitters); PubMed 22818240 (cited by 3billion and Women's Health and Genetics/Laboratory Corporation of America, LabCorp); PubMed 21502868 (cited by Myriad Genetics, Inc. and Counsyl); PubMed 2023926 (cited by OMIM); PubMed 11932991 (cited by OMIM); PubMed 15545621 (cited by GeneReviews).